The following is an entry in ClinVar:

ClinVar aggregate classification (germline): Conflicting classifications of pathogenicity. Review status: criteria provided, conflicting classifications (1 of 4 stars). 4 submissions from 4 submitters: Uncertain significance (3); Likely benign (1). Last evaluated 2026-04-10.

Conditions:
Hereditary breast ovarian cancer syndrome. Also called: Hereditary breast and ovarian cancer; Hereditary breast and ovarian cancer syndrome (HBOC); Hereditary breast and ovarian cancer syndrome; Breast and ovarian cancer; Hereditary breast and/or ovarian cancer syndrome; BRCA1- and BRCA2-Associated Hereditary Breast and Ovarian Cancer. Identifiers: Orphanet 145, MedGen C0677776, MeSH D061325, MONDO:0003582. Disease mechanism: loss of function.
Hereditary cancer-predisposing syndrome. Also called: Tumor predisposition; Hereditary Cancer Syndrome; Neoplastic Syndromes, Hereditary; Hereditary neoplastic syndrome. Identifiers: Orphanet 140162, MedGen C0027672, MeSH D009386, MONDO:0015356.

Submissions (4):

Ambry Genetics
Classification: Uncertain significance for Hereditary cancer-predisposing syndrome. Last evaluated: 2026-04-10. Review status: criteria provided, single submitter. Criteria: Ambry Variant Classification Scheme 2023. Collection method: clinical testing. Allele origin: germline.
Comment: The p.K566E variant (also known as c.1696A>G), located in coding exon 9 of the BRCA1 gene, results from an A to G substitution at nucleotide position 1696. The lysine at codon 566 is replaced by glutamic acid, an amino acid with similar properties. This amino acid position is not well conserved in available vertebrate species. In addition, this alteration is predicted to be deleterious by in silico analysis. Based on the available evidence, the clinical significance of this variant remains unclear.

Labcorp Genetics (formerly Invitae), Labcorp
Classification: Uncertain significance for Hereditary breast ovarian cancer syndrome. Last evaluated: 2024-07-01. Review status: criteria provided, single submitter. Criteria: Invitae Variant Classification Sherloc (09022015). Collection method: clinical testing. Allele origin: germline.
Comment: This sequence change replaces lysine, which is basic and polar, with glutamic acid, which is acidic and polar, at codon 566 of the BRCA1 protein (p.Lys566Glu). This variant is not present in population databases (gnomAD no frequency). This variant has not been reported in the literature in individuals affected with BRCA1-related conditions. ClinVar contains an entry for this variant (Variation ID: 639551). Advanced modeling of protein sequence and biophysical properties (such as structural, functional, and spatial information, amino acid conservation, physicochemical variation, residue mobility, and thermodynamic stability) performed at Invitae indicates that this missense variant is not expected to disrupt BRCA1 protein function with a negative predictive value of 95%. In summary, the available evidence is currently insufficient to determine the role of this variant in disease. Therefore, it has been classified as a Variant of Uncertain Significance.

University of Washington Department of Laboratory Medicine, University of Washington
Classification: Likely benign for Hereditary cancer-predisposing syndrome. Last evaluated: 2023-03-23. Review status: criteria provided, single submitter. Criteria: Dines et al. (Genet Med. 2020). Collection method: curation. Allele origin: germline.
Comment: Missense variant in a coldspot region where missense variants are very unlikely to be pathogenic (PMID:31911673).

BRCA1 coldspot (exon 11 using historical exon numbering). Reclassification based on statistical prior probability

Color Diagnostics, LLC DBA Color Health
Classification: Uncertain significance for Hereditary cancer-predisposing syndrome. Last evaluated: 2019-02-06. Review status: criteria provided, single submitter. Criteria: ACMG Guidelines, 2015. Collection method: clinical testing. Allele origin: germline.

NM_007294.4(BRCA1):c.1696A>G (p.Lys566Glu)

Gene: BRCA1 (BRCA1 DNA repair associated; minus strand). Cytogenetic location: 17q21.31.
Variant type: single nucleotide variant.
Coding change: c.1696A>G on transcript NM_007294.4 (MANE Select); coding-DNA position 1696, A replaced by G.
Protein change: p.Lys566Glu; replaces lysine 566 with glutamic acid.
Molecular consequence: missense variant. On other transcripts: intron variant (137).
Genome position (GRCh38, 1-based): chr17:43,093,835, T>C on the plus strand (A>G on the coding strand, the complement: BRCA1 is on the minus strand). VCF-style: chr17-43093835-T-C. GRCh37 (hg19) VCF-style: chr17-41245852-T-C.
Other names: c.1483A>G, p.Lys495Glu (NM_001407571.1, NM_001407915.1, NM_001407916.1 and 9 more transcripts); c.1696A>G, p.Lys566Glu (NM_001407581.1, NM_001407582.1, NM_001407583.1 and 30 more transcripts); c.1693A>G, p.Lys565Glu (NM_001407587.1, NM_001407590.1, NM_001407610.1 and 22 more transcripts); c.1570A>G, p.Lys524Glu (NM_001407649.1, NM_001407670.1, NM_001407671.1 and 11 more transcripts); c.1618A>G, p.Lys540Glu (NM_001407653.1, NM_001407654.1, NM_001407655.1 and 4 more transcripts); c.1615A>G, p.Lys539Glu (NM_001407659.1, NM_001407660.1, NM_001407661.1 and 1 more transcripts); c.1573A>G, p.Lys525Glu (NM_001407674.1, NM_001407675.1, NM_001407676.1 and 19 more transcripts); c.1555A>G, p.Lys519Glu (NM_001407692.1, NM_001407694.1, NM_001407695.1 and 29 more transcripts); and 40 more; short protein forms K519E, K566E, K438E, K454E, K499E, K539E, K540E, K563E.
Identifiers: ClinVar variation 639551 (VCV000639551.15), dbSNP rs1597874665, ClinGen allele CA10598636.